The following is an entry in ClinVar:

ClinVar aggregate classification (germline): Benign/Likely benign. Review status: criteria provided, multiple submitters, no conflicts (2 of 4 stars). 2 submissions from 2 submitters: Benign (1); Likely benign (1). Last evaluated 2026-04-24.

Conditions:
Colorectal cancer, susceptibility to, 1. Also called: COLORECTAL ADENOMA AND CANCER, SUSCEPTIBILITY TO; COLORECTAL CANCER, SUSCEPTIBILITY TO, ON CHROMOSOME 9. Identifiers: MedGen C1837315, MONDO:0012132, OMIM 608812.

Allele frequency attached by ClinVar (database versions not stated): gnomAD 0.00001; TOPMed 0.00001; 1000 Genomes Project 0.00020; gnomAD exomes 0.00003; ExAC 0.00006; 1000 Genomes Project 30x 0.00016.
gnomAD v4.1: 22 of 1,614,206 alleles (0.0014%); highest among the groups gnomAD compares: South Asian, 0.015%; no homozygotes.

Submissions (2):

Myriad Genetics, Inc.
Classification: Benign for Colorectal cancer, susceptibility to, 1. Last evaluated: 2026-04-24. Review status: criteria provided, single submitter. Criteria: Myriad Autosomal Dominant, Autosomal Recessive and X-Linked Classification Criteria (2023). Collection method: clinical testing. Allele origin: unknown.
Comment: This variant is considered benign. This variant is a silent/synonymous amino acid change and it is not expected to impact splicing.

Ambry Genetics
Classification: Likely benign. Last evaluated: 2019-07-03. Review status: criteria provided, single submitter. Criteria: Ambry Variant Classification Scheme 2023. Collection method: clinical testing. Allele origin: germline.

NM_024642.5(GALNT12):c.1068C>T (p.His356=)

Gene: GALNT12 (polypeptide N-acetylgalactosaminyltransferase 12; plus strand). Cytogenetic location: 9q22.33.
Variant type: single nucleotide variant.
Coding change: c.1068C>T on transcript NM_024642.5 (MANE Select); coding-DNA position 1068, C replaced by T.
Protein change: p.His356=; no amino-acid change (histidine 356 retained).
Molecular consequence: synonymous variant.
Genome position (GRCh38, 1-based): chr9:98,837,004, C>T. VCF-style: chr9-98837004-C-T. GRCh37 (hg19) VCF-style: chr9-101599286-C-T.
Identifiers: ClinVar variation 822103 (VCV000822103.5), dbSNP rs555402872, ClinGen allele CA5154167.